The following is an entry in ClinVar:

ClinVar aggregate classification (germline): Pathogenic (1 of 4 stars; one submission).

Conditions:
Neurofibromatosis, type 1 (NF1). Also called: VON RECKLINGHAUSEN DISEASE; Peripheral type neurofibromatosis; NEUROFIBROMATOSIS, TYPE I, SOMATIC; Neurofibromatosis, type I. Identifiers: Orphanet 636, MedGen C0027831, MONDO:0018975, OMIM 162200. Disease mechanism: loss of function.

Submission:

Labcorp Genetics (formerly Invitae), Labcorp
Classification: Pathogenic for Neurofibromatosis, type 1. Last evaluated: 2021-11-06. Review status: criteria provided, single submitter. Criteria: Invitae Variant Classification Sherloc (09022015). Collection method: clinical testing. Allele origin: germline.
Comment: This variant is a gross deletion of the genomic region encompassing exon(s) 2 of the NF1 gene. This variant would be expected to be in-frame, preserving the integrity of the reading frame. A similar copy number variant has been observed in individuals with neurofibromatosis type 1 (PMID: 16283621, 17311297). For these reasons, this variant has been classified as Pathogenic.

Literature cited by the submitters: PubMed 16283621; PubMed 17311297.

NC_000017.10:g.(?_29482981)_(29483164_?)del

Gene: NF1 (neurofibromin 1; plus strand). Cytogenetic location: 17q11.2.
Variant type: Deletion.
Identifiers: ClinVar variation 1073835 (VCV001073835.2).